The following is an entry in ClinVar:

ClinVar aggregate classification (germline): Uncertain significance. Review status: criteria provided, multiple submitters, no conflicts (2 of 4 stars). 3 submissions from 3 submitters: Uncertain significance (3). Last evaluated 2025-09-21.

Conditions:
Primary pulmonary hypertension. Also called: Idiopathic pulmonary hypertension. Identifiers: MedGen C0152171.
Pulmonary hypertension, primary, 1 (PPH1). Also called: Pulmonary hypertension, familial primary, 1, with or without HHT. Identifiers: Orphanet 422, MedGen C4552070, MONDO:0024533, OMIM 178600.
Pulmonary venoocclusive disease 1 (PVOD1). Also called: Pulmonary venoocclusive disease 1, autosomal dominant. Identifiers: Orphanet 31837, MedGen C3887658, MONDO:0020713, OMIM 265450.
Inborn genetic diseases. Identifiers: MedGen C0950123, MeSH D030342.

Allele frequency attached by ClinVar (database versions not stated): gnomAD 0.00001; gnomAD exomes 0.00001; TOPMed 0.00001; ESP Exome Variant Server 0.00008.
gnomAD v4.1: 11 of 1,614,044 alleles (0.00068%); highest among the groups gnomAD compares: Non-Finnish European, 0.00093%; no homozygotes.

Submissions (3):

Ambry Genetics
Classification: Uncertain significance for Inborn genetic diseases. Last evaluated: 2025-09-21. Review status: criteria provided, single submitter. Criteria: Ambry Variant Classification Scheme 2023. Collection method: clinical testing. Allele origin: germline.
Comment: The p.H814R variant (also known as c.2441A>G), located in coding exon 12 of the BMPR2 gene, results from an A to G substitution at nucleotide position 2441. The histidine at codon 814 is replaced by arginine, an amino acid with highly similar properties. This amino acid position is conserved. In addition, the in silico prediction for this alteration is inconclusive. Based on the available evidence, the clinical significance of this variant remains unclear.

Fulgent Genetics
Classification: Uncertain significance for Pulmonary hypertension, primary, 1; Pulmonary venoocclusive disease 1. Last evaluated: 2024-05-14. Review status: criteria provided, single submitter. Criteria: ACMG Guidelines, 2015. Collection method: clinical testing. Allele origin: germline.

Labcorp Genetics (formerly Invitae), Labcorp
Classification: Uncertain significance for Primary pulmonary hypertension. Last evaluated: 2022-04-28. Review status: criteria provided, single submitter. Criteria: Invitae Variant Classification Sherloc (09022015). Collection method: clinical testing. Allele origin: germline.
Comment: In summary, the available evidence is currently insufficient to determine the role of this variant in disease. Therefore, it has been classified as a Variant of Uncertain Significance. This sequence change replaces histidine, which is basic and polar, with arginine, which is basic and polar, at codon 814 of the BMPR2 protein (p.His814Arg). This variant is present in population databases (rs369568686, gnomAD 0.007%). This variant has not been reported in the literature in individuals affected with BMPR2-related conditions. Advanced modeling of protein sequence and biophysical properties (such as structural, functional, and spatial information, amino acid conservation, physicochemical variation, residue mobility, and thermodynamic stability) performed at Invitae indicates that this missense variant is not expected to disrupt BMPR2 protein function.

NM_001204.7(BMPR2):c.2441A>G (p.His814Arg)

Gene: BMPR2 (bone morphogenetic protein receptor type 2; plus strand). Cytogenetic location: 2q33.2.
Variant type: single nucleotide variant.
Coding change: c.2441A>G on transcript NM_001204.7 (MANE Select); coding-DNA position 2441, A replaced by G.
Protein change: p.His814Arg; replaces histidine 814 with arginine.
Molecular consequence: missense variant.
Genome position (GRCh38, 1-based): chr2:202,556,106, A>G. VCF-style: chr2-202556106-A-G. GRCh37 (hg19) VCF-style: chr2-203420829-A-G.
Other names: short protein forms H814R.
Identifiers: ClinVar variation 1986934 (VCV001986934.6), dbSNP rs369568686, ClinGen allele CA64043748.